The following is an entry in ClinVar:

ClinVar aggregate classification (germline): Uncertain significance. Review status: criteria provided, multiple submitters, no conflicts (2 of 4 stars). 3 submissions from 3 submitters: Uncertain significance (3). Last evaluated 2024-03-25.

Conditions:
Joubert syndrome 9 (JBTS9). Identifiers: Orphanet 2318, MedGen C2676788, MONDO:0012849, OMIM 612285.
Meckel syndrome, type 6. Identifiers: Orphanet 564, MedGen C2676790, MONDO:0012848, OMIM 612284.

Allele frequency attached by ClinVar (database versions not stated): gnomAD 0.00002.
gnomAD v4.1: 14 of 1,612,404 alleles (0.00087%); highest among the groups gnomAD compares: Non-Finnish European, 0.0012%; no homozygotes.

Submissions (3):

Genomic Medicine Center of Excellence, King Faisal Specialist Hospital and Research Centre
Classification: Uncertain significance for Joubert syndrome 9. Last evaluated: 2024-03-25. Review status: criteria provided, single submitter. Criteria: ACMG Guidelines, 2015. Collection method: clinical testing. Allele origin: germline.

GeneDx
Classification: Uncertain significance. Last evaluated: 2022-07-12. Review status: criteria provided, single submitter. Criteria: GeneDx Variant Classification Process June 2021. Collection method: clinical testing. Allele origin: germline. Affected: yes.
Comment: Not observed at significant frequency in large population cohorts (gnomAD); In silico analysis supports that this missense variant has a deleterious effect on protein structure/function; Has not been previously published as pathogenic or benign to our knowledge

3billion
Classification: Uncertain significance for Meckel syndrome, type 6. Last evaluated: 2022-01-03. Review status: criteria provided, single submitter. Criteria: ACMG Guidelines, 2015. Collection method: clinical testing. Allele origin: germline. Affected: yes. Observed: 1 homozygote.
Comment: The variant is not observed in the gnomAD v2.1.1 dataset (PM2_M). In silico tool predictions suggest damaging effect of the variant on gene or gene product (REVEL: 0.717, PP3_P). Therefore, this variant is classified as uncertain significance according to the recommendation of ACMG/AMP guideline.

NM_001378615.1(CC2D2A):c.4688C>G (p.Pro1563Arg)

Genes: CC2D2A (coiled-coil and C2 domain containing 2A; plus strand), FBXL5 (F-box and leucine rich repeat protein 5; minus strand). Cytogenetic location: 4p15.32.
Variant type: single nucleotide variant.
Coding change: c.4688C>G on transcript NM_001378615.1 (MANE Select); coding-DNA position 4688, C replaced by G.
Protein change: p.Pro1563Arg; replaces proline 1563 with arginine.
Molecular consequence: missense variant.
Genome position (GRCh38, 1-based): chr4:15,601,250, C>G. VCF-style: chr4-15601250-C-G. GRCh37 (hg19) VCF-style: chr4-15602873-C-G.
Other names: c.4688C>G, p.Pro1563Arg (NM_001080522.2); c.4541C>G, p.Pro1514Arg (NM_001378617.1); short protein forms P1514R, P1563R.
Identifiers: ClinVar variation 1333691 (VCV001333691.4), dbSNP rs886059186, ClinGen allele CA356435984.